The following is an entry in ClinVar:

NM_001649.4(SHROOM2):c.1985G>A (p.Arg662His)

Gene: SHROOM2 (shroom family member 2; plus strand). Cytogenetic location: Xp22.2.
Variant type: single nucleotide variant.
Coding change: c.1985G>A on transcript NM_001649.4 (MANE Select); coding-DNA position 1985, G replaced by A.
Protein change: p.Arg662His; replaces arginine 662 with histidine.
Molecular consequence: missense variant.
Genome position (GRCh38, 1-based): chrX:9,895,893, G>A. VCF-style: chrX-9895893-G-A. GRCh37 (hg19) VCF-style: chrX-9863933-G-A.
Other names: c.1985G>A (NM_001649.2); short protein forms R662H.
Identifiers: ClinVar variation 3052263 (VCV003052263.3), dbSNP rs373360048, ClinGen allele CA10345480.

ClinVar aggregate classification (germline): Uncertain significance. Review status: criteria provided, single submitter (1 of 4 stars). 2 submissions from 2 submitters: Uncertain significance (1). 1 of the submissions does not count toward it. Last evaluated 2025-02-27.

Conditions:
SHROOM2-related disorder. Also called: SHROOM2-related condition.

Allele frequency attached by ClinVar (database versions not stated): ESP Exome Variant Server 0.00010; TOPMed 0.00021; gnomAD 0.00027; 1000 Genomes Project 30x 0.00042; ExAC 0.00060.
gnomAD v4.1: 549 of 1,199,021 alleles (0.046%); highest among the groups gnomAD compares: South Asian, 0.24%; 1 homozygote.

Submissions (2):

Ambry Genetics
Classification: Uncertain significance. Last evaluated: 2025-02-27. Review status: criteria provided, single submitter. Criteria: Ambry Variant Classification Scheme 2023. Collection method: clinical testing. Allele origin: germline.

PreventionGenetics, part of Exact Sciences
Classification: Likely benign for SHROOM2-related condition. Last evaluated: 2022-08-24. Review status: no assertion criteria provided. Collection method: clinical testing. Allele origin: germline. Not counted in ClinVar's aggregate classification.
Comment: This variant is classified as likely benign based on ACMG/AMP sequence variant interpretation guidelines (Richards et al. 2015 PMID: 25741868, with internal and published modifications).